The following is an entry in ClinVar:

ClinVar aggregate classification (germline): Uncertain significance (1 of 4 stars; one submission).

Submission:

Labcorp Genetics (formerly Invitae), Labcorp
Classification: Uncertain significance. Last evaluated: 2024-08-07. Review status: criteria provided, single submitter. Criteria: Invitae Variant Classification Sherloc (09022015). Collection method: clinical testing. Allele origin: germline.
Comment: This sequence change replaces alanine, which is neutral and non-polar, with valine, which is neutral and non-polar, at codon 143 of the IRF2BP2 protein (p.Ala143Val). The frequency data for this variant in the population databases is considered unreliable, as metrics indicate poor data quality at this position in the gnomAD database. This variant has not been reported in the literature in individuals affected with IRF2BP2-related conditions. An algorithm developed to predict the effect of missense changes on protein structure and function (PolyPhen-2) suggests that this variant is likely to be tolerated. In summary, the available evidence is currently insufficient to determine the role of this variant in disease. Therefore, it has been classified as a Variant of Uncertain Significance.

NM_182972.3(IRF2BP2):c.428C>T (p.Ala143Val)

Genes: IRF2BP2 (interferon regulatory factor 2 binding protein 2; minus strand), LOC129932812 (ATAC-STARR-seq lymphoblastoid silent region 1977; plus strand). Cytogenetic location: 1q42.3.
Variant type: single nucleotide variant.
Coding change: c.428C>T on transcript NM_182972.3 (MANE Select); coding-DNA position 428, C replaced by T.
Protein change: p.Ala143Val; replaces alanine 143 with valine.
Molecular consequence: missense variant.
Genome position (GRCh38, 1-based): chr1:234,609,067, G>A on the plus strand (C>T on the coding strand, the complement: IRF2BP2 is on the minus strand). VCF-style: chr1-234609067-G-A. GRCh37 (hg19) VCF-style: chr1-234744813-G-A.
Other names: c.428C>T, p.Ala143Val (NM_001077397.1); short protein forms A143V.
Identifiers: ClinVar variation 3716173 (VCV003716173.2).